The following is an entry in ClinVar:

ClinVar aggregate classification (germline): Uncertain significance. Review status: criteria provided, multiple submitters, no conflicts (2 of 4 stars). 4 submissions from 4 submitters: Uncertain significance (4). Last evaluated 2026-04-06.

Conditions:
Inborn genetic diseases. Identifiers: MedGen C0950123, MeSH D030342.
Intellectual developmental disorder, X-linked, syndromic, Turner type. Also called: X-linked intellectual disability, Turner type; Intellectual disability, X-linked syndromic, Turner type. Identifiers: Orphanet 3056, Orphanet 85328, MedGen C2678046, MONDO:0010407, OMIM 309590.

Allele frequency attached by ClinVar (database versions not stated): TOPMed 0.00002; ESP Exome Variant Server 0.00009; gnomAD exomes below 0.00001; gnomAD 0.00001.
gnomAD v4.1: 4 of 1,208,182 alleles (0.00033%); highest among the groups gnomAD compares: Non-Finnish European, 0.00045%; no homozygotes.

Submissions (4):

Ambry Genetics
Classification: Uncertain significance for Inborn genetic diseases. Last evaluated: 2026-04-06. Review status: criteria provided, single submitter. Criteria: Ambry Variant Classification Scheme 2023. Collection method: clinical testing. Allele origin: germline.

GeneDx
Classification: Uncertain significance. Last evaluated: 2025-08-14. Review status: criteria provided, single submitter. Criteria: GeneDx Variant Classification Process June 2021. Collection method: clinical testing. Allele origin: germline. Affected: yes.
Comment: In silico analysis supports that this missense variant has a deleterious effect on protein structure/function; This variant is associated with the following publications: (PMID: Friez2014[Thesis])

Clinical Genomics Laboratory, Washington University in St. Louis
Classification: Uncertain significance for Intellectual developmental disorder, X-linked, syndromic, Turner type. Last evaluated: 2023-07-17. Review status: criteria provided, single submitter. Criteria: ACMG Guidelines, 2015. Collection method: clinical testing. Allele origin: germline.
Comment: The HUWE1 c.12860C>T (p.Ser4287Phe) variant, to our knowledge, has not been reported in the medical literature but has been reported in the ClinVar database as a germline variant of uncertain significance by two submitters. This variant is absent from the general population (gnomAD v.2.1.1), but is observed on 1/10,563 alleles in the ESP 6500, indicating it is not a common variant. Computational predictors are uncertain as to the impact of this variant on HUWE1 function. Due to limited information, and based on ACMG/AMP guidelines for variant interpretation (Richards S et al., PMID: 25741868), the clinical significance of this variant is uncertain at this time.

Fulgent Genetics
Classification: Uncertain significance for Intellectual developmental disorder, X-linked, syndromic, Turner type. Last evaluated: 2018-10-31. Review status: criteria provided, single submitter. Criteria: ACMG Guidelines, 2015. Collection method: clinical testing. Allele origin: unknown.

NM_031407.7(HUWE1):c.12860C>T (p.Ser4287Phe)

Gene: HUWE1 (HECT, UBA and WWE domain containing E3 ubiquitin protein ligase 1; minus strand). Cytogenetic location: Xp11.22.
Variant type: single nucleotide variant.
Coding change: c.12860C>T on transcript NM_031407.7 (MANE Select); coding-DNA position 12860, C replaced by T.
Protein change: p.Ser4287Phe; replaces serine 4287 with phenylalanine.
Molecular consequence: missense variant.
Genome position (GRCh38, 1-based): chrX:53,534,169, G>A on the plus strand (C>T on the coding strand, the complement: HUWE1 is on the minus strand). VCF-style: chrX-53534169-G-A. GRCh37 (hg19) VCF-style: chrX-53561130-G-A.
Other names: short protein forms S4287F.
Identifiers: ClinVar variation 424416 (VCV000424416.9), dbSNP rs143599552, ClinGen allele CA16621450.